The following is an entry in ClinVar:

ClinVar aggregate classification (germline): Likely pathogenic (1 of 4 stars; one submission).

Conditions:
Ciliopathy. Also called: Ciliopathies. Identifiers: Orphanet 363250, MedGen C4277690, MONDO:0005308, MeSH D000072661.

Submission:

Myriad Genetics, Inc.
Classification: Likely pathogenic for Ciliopathy. Last evaluated: 2022-01-02. Review status: criteria provided, single submitter. Criteria: Myriad Autosomal Dominant, Autosomal Recessive and X-Linked Classification Criteria (2023). Collection method: clinical testing. Allele origin: unknown.
Comment: NM_017777.3(MKS1):c.1383T>A(Y461*) is expected to be pathogenic in the context of MKS1-related disorders. This variant is predicted to lead to an abnormal or absent protein product due to the creation of a premature termination codon in MKS1, a gene where loss-of-function variants are known to be pathogenic. Please note: this variant was assessed in the context of healthy population screening.

NM_017777.4(MKS1):c.1383T>A (p.Tyr461Ter)

Gene: MKS1 (MKS transition zone complex subunit 1; minus strand). Cytogenetic location: 17q22.
Variant type: single nucleotide variant.
Coding change: c.1383T>A on transcript NM_017777.4 (MANE Select); coding-DNA position 1383, T replaced by A.
Protein change: p.Tyr461Ter; replaces tyrosine 461 with a stop codon.
Molecular consequence: nonsense. On other transcripts: intron variant (1).
Genome position (GRCh38, 1-based): chr17:58,207,109, A>T on the plus strand (T>A on the coding strand, the complement: MKS1 is on the minus strand). VCF-style: chr17-58207109-A-T. GRCh37 (hg19) VCF-style: chr17-56284470-A-T.
Other names: c.774T>A, p.Tyr258Ter (NM_001321268.2); c.1383T>A, p.Tyr461Ter (NM_001321269.2); c.1274-729T>A (NM_001330397.2); short protein forms Y258*, Y461*.
Identifiers: ClinVar variation 1726823 (VCV001726823.3), dbSNP rs774475723, ClinGen allele CA400324844.
Genomic context (GRCh38, chr17:58,207,109, plus strand): 5'-TTCTCAGCGTGAAGTCACTCCAAAGACAAAAGTCACCTTGAAGGATCCTGGTATCCGTAC[A>T]TAGGAGAGGTCCTCCAGTTCCAGAGAACCGCCAATGAAAAACCTCCTCAGCTCAGCCACC-3'